The following is an entry in ClinVar:

ClinVar aggregate classification (germline): Uncertain significance (1 of 4 stars; one submission).

Submission:

Ambry Genetics
Classification: Uncertain significance. Last evaluated: 2025-05-01. Review status: criteria provided, single submitter. Criteria: Ambry Variant Classification Scheme 2023. Collection method: clinical testing. Allele origin: germline.
Comment: The p.L119F variant (also known as c.357A>T), located in coding exon 4 of the SRP72 gene, results from an A to T substitution at nucleotide position 357. The leucine at codon 119 is replaced by phenylalanine, an amino acid with highly similar properties. This amino acid position is conserved. In addition, the in silico prediction for this alteration is inconclusive. Based on the available evidence, the clinical significance of this variant remains unclear.

NM_006947.4(SRP72):c.357A>T (p.Leu119Phe)

Gene: SRP72 (signal recognition particle 72; plus strand). Cytogenetic location: 4q12.
Variant type: single nucleotide variant.
Coding change: c.357A>T on transcript NM_006947.4 (MANE Select); coding-DNA position 357, A replaced by T.
Protein change: p.Leu119Phe; replaces leucine 119 with phenylalanine.
Molecular consequence: missense variant. On other transcripts: non-coding transcript variant (1).
Genome position (GRCh38, 1-based): chr4:56,474,056, A>T. VCF-style: chr4-56474056-A-T. GRCh37 (hg19) VCF-style: chr4-57340222-A-T.
Other names: c.357A>T, p.Leu119Phe (NM_001267722.2); short protein forms L119F.
Identifiers: ClinVar variation 3962088 (VCV003962088.1).